The following is an entry in ClinVar:

NM_001018115.3(FANCD2):c.672C>T (p.His224=)

Genes: FANCD2 (FA complementation group D2; plus strand), LOC107303338 (3p25 FANCD2 Alu-mediated recombination region; plus strand). Cytogenetic location: 3p25.3.
Variant type: single nucleotide variant.
Coding change: c.672C>T on transcript NM_001018115.3 (MANE Select); coding-DNA position 672, C replaced by T.
Protein change: p.His224=; no amino-acid change (histidine 224 retained).
Molecular consequence: synonymous variant.
Genome position (GRCh38, 1-based): chr3:10,039,822, C>T. VCF-style: chr3-10039822-C-T. GRCh37 (hg19) VCF-style: chr3-10081506-C-T.
Other names: c.672C>T, p.His224= (NM_001319984.2, NM_001374253.1, NM_001374254.1 and 2 more transcripts); c.672C>T (NM_033084.4).
Identifiers: ClinVar variation 456360 (VCV000456360.23), dbSNP rs371928644, ClinGen allele CA2249292.

ClinVar aggregate classification (germline): Conflicting classifications of pathogenicity. Review status: criteria provided, conflicting classifications (1 of 4 stars). 6 submissions from 6 submitters: Uncertain significance (1); Likely benign (5). Last evaluated 2026-01-19.

Conditions:
Fanconi anemia (FA). Also called: Fanconi's anemia. Identifiers: Orphanet 84, MedGen C0015625, MeSH D005199, MONDO:0019391.
Fanconi anemia complementation group D2. Also called: FANCD2-Related Fanconi Anemia; FANCONI PANCYTOPENIA, TYPE 4; FANCONI ANEMIA, COMPLEMENTATION GROUP D. Identifiers: Orphanet 84, MedGen C3160738, MONDO:0009214, OMIM 227646.

Allele frequency attached by ClinVar (database versions not stated): TOPMed 0.00006; gnomAD 0.00008 and 0.00010; gnomAD exomes 0.00010 and 0.00027; ESP Exome Variant Server 0.00015; 1000 Genomes Project 30x 0.00016; 1000 Genomes Project 0.00020; ExAC 0.00030.
gnomAD v4.1: 173 of 1,613,890 alleles (0.011%); highest among the groups gnomAD compares: South Asian, 0.13%; 2 homozygotes.

Submissions (6):

Labcorp Genetics (formerly Invitae), Labcorp
Classification: Likely benign for Fanconi anemia. Last evaluated: 2026-01-19. Review status: criteria provided, single submitter. Criteria: Invitae Variant Classification Sherloc (09022015). Collection method: clinical testing. Allele origin: germline.

CeGaT Center for Human Genetics Tuebingen
Classification: Likely benign. Last evaluated: 2026-01-01. Review status: criteria provided, single submitter. Criteria: CeGaT Center For Human Genetics Tuebingen Variant Classification Criteria Version 2. Collection method: clinical testing. Allele origin: germline. Affected: yes. Observed: 1 variant allele.
Comment: FANCD2: BP4, BP7

Blueprint Genetics
Classification: Likely benign. Last evaluated: 2024-10-23. Review status: criteria provided, single submitter. Criteria: ACMG Guidelines, 2015. Collection method: clinical testing. Allele origin: germline.

KCCC/NGS Laboratory, Kuwait Cancer Control Center
Classification: Likely benign for Fanconi anemia complementation group D2. Last evaluated: 2023-07-07. Review status: criteria provided, single submitter. Criteria: ACMG Guidelines, 2015. Collection method: clinical testing. Allele origin: germline. Affected: yes.

Genetic Services Laboratory, University of Chicago
Classification: Likely benign. Last evaluated: 2018-09-06. Review status: criteria provided, single submitter. Criteria: ACMG Guidelines, 2015. Collection method: clinical testing. Allele origin: germline. Affected: no.

Illumina Laboratory Services, Illumina
Classification: Uncertain significance for Fanconi anemia complementation group D2. Last evaluated: 2018-01-12. Review status: criteria provided, single submitter. Criteria: ICSL Variant Classification Criteria 13 December 2019. Collection method: clinical testing. Allele origin: germline.